The following is an entry in ClinVar:

ClinVar aggregate classification (germline): Pathogenic (1 of 4 stars; one submission).

Conditions:
Congenital myotonia, autosomal dominant form (THD). Also called: THOMSEN DISEASE; Myotonia congenita autosomal dominant. Identifiers: Orphanet 614, MedGen C2936781, MONDO:0008055, OMIM 160800.
Congenital myotonia, autosomal recessive form. Also called: BECKER DISEASE; Becker Generalized Myotonia; myotonia congenita, autosomal recessive. Identifiers: Orphanet 614, MedGen C0751360, MONDO:0009715, OMIM 255700.

Submission:

Labcorp Genetics (formerly Invitae), Labcorp
Classification: Pathogenic for Congenital myotonia, autosomal recessive form; Congenital myotonia, autosomal dominant form. Last evaluated: 2023-09-12. Review status: criteria provided, single submitter. Criteria: Invitae Variant Classification Sherloc (09022015). Collection method: clinical testing. Allele origin: germline.
Comment: This variant is not present in population databases (gnomAD no frequency). This variant results in the deletion of part of exon 4 (c.434-55_464del) of the CLCN1 gene. It is expected to disrupt RNA splicing. Variants that disrupt the donor or acceptor splice site typically lead to a loss of protein function (PMID: 16199547), and loss-of-function variants in CLCN1 are known to be pathogenic (PMID: 17932099, 22094069, 23739125). This variant has been observed in individual(s) with clinical features of myotonia congenita (Invitae). In at least one individual the data is consistent with being in trans (on the opposite chromosome) from a pathogenic variant. For these reasons, this variant has been classified as Pathogenic. Algorithms developed to predict the effect of sequence changes on RNA splicing suggest that this variant may disrupt the consensus splice site.

Literature cited by the submitters: PubMed 16199547; PubMed 17932099; PubMed 22094069; PubMed 23739125.

NM_000083.3(CLCN1):c.434-55_464del

Gene: CLCN1 (chloride voltage-gated channel 1; plus strand). Cytogenetic location: 7q34.
Variant type: Deletion.
Coding change: c.434-55_464del on transcript NM_000083.3 (MANE Select); 55 bases into the intron before coding-DNA position 434 through coding-DNA position 464, 86 bases deleted.
Molecular consequence: splice acceptor variant.
Genome position (GRCh38, 1-based): chr7:143,321,310-143,321,395, 86 bases deleted. GRCh37 (hg19): chr7:143,018,403-143,018,488.
Identifiers: ClinVar variation 2949449 (VCV002949449.3), dbSNP rs2487031587, ClinGen allele CA2740094892.